The following is an entry in ClinVar:

NM_007294.4(BRCA1):c.5587T>G (p.Tyr1863Asp)

Gene: BRCA1 (BRCA1 DNA repair associated; minus strand). Cytogenetic location: 17q21.31.
Variant type: single nucleotide variant.
Coding change: c.5587T>G on transcript NM_007294.4 (MANE Select); coding-DNA position 5587, T replaced by G.
Protein change: p.Tyr1863Asp; replaces tyrosine 1863 with aspartic acid.
Molecular consequence: missense variant. On other transcripts: 3 prime UTR variant (1), non-coding transcript variant (1).
Genome position (GRCh38, 1-based): chr17:43,045,683, A>C on the plus strand (T>G on the coding strand, the complement: BRCA1 is on the minus strand). VCF-style: chr17-43045683-A-C. GRCh37 (hg19) VCF-style: chr17-41197700-A-C.
Other names: c.2152T>G, p.Tyr718Asp (NM_001408434.1, NM_001408435.1, NM_001408436.1 and 10 more transcripts); c.2149T>G, p.Tyr717Asp (NM_001408447.1, NM_001408448.1, NM_001408450.1 and 2 more transcripts); c.2143T>G, p.Tyr715Asp (NM_001408451.1); c.2137T>G, p.Tyr713Asp (NM_001408452.1, NM_001408453.1, NM_001408454.1 and 3 more transcripts); c.2134T>G, p.Tyr712Asp (NM_001408467.1, NM_001408458.1, NM_001408459.1 and 7 more transcripts); c.2131T>G, p.Tyr711Asp (NM_001408468.1, NM_001408469.1, NM_001408470.1); c.*101T>G (NM_001408472.1, NM_001408473.1, NM_007299.4 and 14 more transcripts); c.2077T>G, p.Tyr693Asp (NM_001408474.1); and 74 more; short protein forms Y1863D, Y759D, Y1816D, Y1884D, Y1566D, Y1694D, Y1709D, Y1734D.
Identifiers: ClinVar variation 231744 (VCV000231744.28), dbSNP rs763740623, ClinGen allele CA10580478.

ClinVar aggregate classification (germline): Conflicting classifications of pathogenicity. Review status: criteria provided, conflicting classifications (1 of 4 stars). 6 submissions from 6 submitters: Uncertain significance (5); Likely benign (1). Last evaluated 2025-05-05.

Conditions:
Hereditary breast ovarian cancer syndrome. Also called: Breast and ovarian cancer; Hereditary breast and ovarian cancer; Hereditary breast and ovarian cancer syndrome; Hereditary breast and/or ovarian cancer syndrome; BRCA1- and BRCA2-Associated Hereditary Breast and Ovarian Cancer; Hereditary breast and ovarian cancer syndrome (HBOC). Identifiers: Orphanet 145, MedGen C0677776, MeSH D061325, MONDO:0003582. Disease mechanism: loss of function.
Breast-ovarian cancer, familial, susceptibility to, 1 (BROVCA1). Also called: BRCA1 Hereditary Breast and Ovarian Cancer; OVARIAN CANCER, SUSCEPTIBILITY TO. Identifiers: Orphanet 145, MedGen C2676676, MONDO:0011450, OMIM 604370. Disease mechanism: loss of function.
Hereditary cancer-predisposing syndrome. Also called: Tumor predisposition; Hereditary Cancer Syndrome; Neoplastic Syndromes, Hereditary; Hereditary neoplastic syndrome. Identifiers: Orphanet 140162, MedGen C0027672, MeSH D009386, MONDO:0015356.

gnomAD v4.1: 1 of 1,613,738 alleles (0.000062%); highest among the groups gnomAD compares: Non-Finnish European, 0.000085%; no homozygotes.

Submissions (6):

Color Diagnostics, LLC DBA Color Health
Classification: Uncertain significance for Hereditary cancer-predisposing syndrome. Last evaluated: 2025-05-05. Review status: criteria provided, single submitter. Criteria: ACMG Guidelines, 2015. Collection method: clinical testing. Allele origin: germline.
Comment: This missense variant replaces tyrosine with aspartic acid at codon 1863 of the BRCA1 protein. Computational prediction is inconclusive regarding the impact of this variant on protein structure and function. To our knowledge, functional studies have not been reported for this variant. This variant has not been reported in individuals affected with BRCA1-related disorders in the literature. This variant has not been identified in the general population by the Genome Aggregation Database (gnomAD). The available evidence is insufficient to determine the role of this variant in disease conclusively. Therefore, this variant is classified as a Variant of Uncertain Significance.

German Consortium for Hereditary Breast and Ovarian Cancer, University Hospital Cologne
Classification: Likely benign for Hereditary breast ovarian cancer syndrome. Last evaluated: 2025-02-18. Review status: criteria provided, single submitter. Criteria: ClinGen BRCA1 V1.1.0. Collection method: curation. Allele origin: germline.
Comment: According to the ClinGen ENIGMA BRCA1 v1.1.0 criteria we chose these criteria: PM2 (supporting pathogenic): absent from gnomAD v3/2 (as per BRCA Exchange: This variant is absent from gnomAD v2.1 (exomes only, non-cancer subset, read depth ≥25) and gnomAD v3.1 (non-cancer subset, read depth ≥25) (PM2_SUP met).), BP1 (strong benign): SpliceAI=0, outside a (potentially) clinically important functional domain, BP5 (medium benign): Li 2021 Combined LR: 0.05786 UCSC Genome Browser ENIGMA BRCA1/BRCA2 specs 1.1.0 Track

Labcorp Genetics (formerly Invitae), Labcorp
Classification: Uncertain significance for Hereditary breast ovarian cancer syndrome. Last evaluated: 2024-12-09. Review status: criteria provided, single submitter. Criteria: Invitae Variant Classification Sherloc (09022015). Collection method: clinical testing. Allele origin: germline.
Comment: This sequence change replaces tyrosine, which is neutral and polar, with aspartic acid, which is acidic and polar, at codon 1863 of the BRCA1 protein (p.Tyr1863Asp). This variant is not present in population databases (gnomAD no frequency). This variant has not been reported in the literature in individuals affected with BRCA1-related conditions. ClinVar contains an entry for this variant (Variation ID: 231744). Invitae Evidence Modeling of protein sequence and biophysical properties (such as structural, functional, and spatial information, amino acid conservation, physicochemical variation, residue mobility, and thermodynamic stability) indicates that this missense variant is not expected to disrupt BRCA1 protein function with a negative predictive value of 95%. In summary, the available evidence is currently insufficient to determine the role of this variant in disease. Therefore, it has been classified as a Variant of Uncertain Significance.

Ambry Genetics
Classification: Uncertain significance for Hereditary cancer-predisposing syndrome. Last evaluated: 2023-09-20. Review status: criteria provided, single submitter. Criteria: Ambry Variant Classification Scheme 2023. Collection method: clinical testing. Allele origin: germline.
Comment: The p.Y1863D variant (also known as c.5587T>G), located in coding exon 22 of the BRCA1 gene, results from a T to G substitution at nucleotide position 5587. The tyrosine at codon 1863 is replaced by aspartic acid, an amino acid with highly dissimilar properties. This amino acid position is poorly conserved in available vertebrate species. In addition, the in silico prediction for this alteration is inconclusive. Since supporting evidence is limited at this time, the clinical significance of this alteration remains unclear.

Baylor Genetics
Classification: Uncertain significance for Breast-ovarian cancer, familial, susceptibility to, 1. Last evaluated: 2023-05-25. Review status: criteria provided, single submitter. Criteria: ACMG Guidelines, 2015. Collection method: clinical testing. Allele origin: unknown.

Quest Diagnostics Nichols Institute San Juan Capistrano
Classification: Uncertain significance. Last evaluated: 2020-03-06. Review status: criteria provided, single submitter. Criteria: Quest Diagnostics criteria. Collection method: clinical testing. Allele origin: unknown.